The following is an entry in ClinVar:

NM_004211.5(SLC6A5):c.618G>T (p.Gly206=)

Gene: SLC6A5 (solute carrier family 6 member 5; plus strand). Cytogenetic location: 11p15.1.
Variant type: single nucleotide variant.
Coding change: c.618G>T on transcript NM_004211.5 (MANE Select); coding-DNA position 618, G replaced by T.
Protein change: p.Gly206=; no amino-acid change (glycine 206 retained).
Molecular consequence: synonymous variant. On other transcripts: intron variant (1).
Genome position (GRCh38, 1-based): chr11:20,604,363, G>T. VCF-style: chr11-20604363-G-T. GRCh37 (hg19) VCF-style: chr11-20625909-G-T.
Other names: c.-23-2644G>T (NM_001318369.2).
Identifiers: ClinVar variation 4749261 (VCV004749261.1).

ClinVar aggregate classification (germline): Uncertain significance (1 of 4 stars; one submission).

Conditions:
Hyperekplexia 3 (HKPX3). Also called: HYPEREKPLEXIA 3, AUTOSOMAL RECESSIVE; HYPEREKPLEXIA 3, AUTOSOMAL DOMINANT. Identifiers: Orphanet 3197, MedGen C3553288, MONDO:0013827, OMIM 614618.

gnomAD v4.1: 5 of 1,614,138 alleles (0.00031%); highest among the groups gnomAD compares: South Asian, 0.0011%; no homozygotes.

Submission:

Labcorp Genetics (formerly Invitae), Labcorp
Classification: Uncertain significance for Hyperekplexia 3. Last evaluated: 2025-07-08. Review status: criteria provided, single submitter. Criteria: Invitae Variant Classification Sherloc (09022015). Collection method: clinical testing. Allele origin: germline.
Comment: This sequence change affects codon 206 of the SLC6A5 mRNA. It is a 'silent' change, meaning that it does not change the encoded amino acid sequence of the SLC6A5 protein. This variant is present in population databases (rs761711107, gnomAD 0.0009%). This variant has not been reported in the literature in individuals affected with SLC6A5-related conditions. Algorithms developed to predict the effect of sequence changes on RNA splicing suggest that this variant may disrupt the consensus splice site. In summary, the available evidence is currently insufficient to determine the role of this variant in disease. Therefore, it has been classified as a Variant of Uncertain Significance.